The following is an entry in ClinVar:

NM_004341.5(CAD):c.4770C>T (p.His1590=)

Gene: CAD (carbamoyl-phosphate synthetase 2, aspartate transcarbamylase, and dihydroorotase; plus strand). Cytogenetic location: 2p23.3.
Variant type: single nucleotide variant.
Coding change: c.4770C>T on transcript NM_004341.5 (MANE Select); coding-DNA position 4770, C replaced by T.
Protein change: p.His1590=; no amino-acid change (histidine 1590 retained).
Molecular consequence: synonymous variant.
Genome position (GRCh38, 1-based): chr2:27,238,097, C>T. VCF-style: chr2-27238097-C-T. GRCh37 (hg19) VCF-style: chr2-27460965-C-T.
Other names: c.4581C>T, p.His1527= (NM_001306079.2).
Identifiers: ClinVar variation 1608775 (VCV001608775.32), dbSNP rs759399567, ClinGen allele CA1573653.
Genomic context (GRCh38, chr2:27,238,097, plus strand): 5'-CAGTTCTTTCTGCTCCCAGCATTTCGAGACATGGCCCTCCCACCTCCCCATTGTGGCTCA[C>T]GCAGAGCAGCAAACCGTGGCTGCTGTCCTCATGGTGGCTCAGCTCACTCAGCGCTCAGTG-3'
Protein context (NP_004332.2, residues 1580-1600): TWPSHLPIVA[His1590=]AEQQTVAAVL

ClinVar aggregate classification (germline): Likely benign. Review status: criteria provided, multiple submitters, no conflicts (2 of 4 stars). 2 submissions from 2 submitters: Likely benign (2). Last evaluated 2025-12-13.

Allele frequency attached by ClinVar (database versions not stated): gnomAD exomes below 0.00001 and 0.00001; ExAC 0.00001; gnomAD 0.00005 and 0.00006; TOPMed 0.00005.
gnomAD v4.1: 28 of 1,614,090 alleles (0.0017%); highest among the groups gnomAD compares: African/African-American, 0.016%; no homozygotes.

Submissions (2):

Labcorp Genetics (formerly Invitae), Labcorp
Classification: Likely benign. Last evaluated: 2025-12-13. Review status: criteria provided, single submitter. Criteria: Invitae Variant Classification Sherloc (09022015). Collection method: clinical testing. Allele origin: germline.

CeGaT Center for Human Genetics Tuebingen
Classification: Likely benign. Last evaluated: 2022-06-01. Review status: criteria provided, single submitter. Criteria: CeGaT Center For Human Genetics Tuebingen Variant Classification Criteria Version 2. Collection method: clinical testing. Allele origin: germline. Affected: yes. Observed: 1 variant allele.
Comment: CAD: BP4, BP7